The following is an entry in ClinVar:

NM_001318510.2(ACSL4):c.629_630insC (p.Glu210fs)

Gene: ACSL4 (acyl-CoA synthetase long chain family member 4; minus strand). Cytogenetic location: Xq23.
Variant type: Insertion.
Coding change: c.629_630insC on transcript NM_001318510.2 (MANE Select); coding-DNA positions 629 to 630, C inserted.
Protein change: p.Glu210fs; shifts the reading frame from glutamic acid 210.
Molecular consequence: frameshift variant.
Genome position: GRCh38 VCF-style: chrX-109681023-T-TG. GRCh37 (hg19) VCF-style: chrX-108924252-T-TG.
Other names: c.752_753insC, p.Glu251fs (NM_001318509.2, NM_022977.3); c.629_630insC, p.Glu210fs (NM_004458.3); short protein forms E210fs, E251fs.
Identifiers: ClinVar variation 3777030 (VCV003777030.1).
Genomic context (GRCh38, chrX:109,681,023, plus strand): 5'-TAGGTAAATAAAATTGTTTTTACTGCTTTACTTACAGTTTTCTGGGTTAGATCCCAACTC[T>TG]TCTACTGATTGCATGCTGTGAATCTCAAATCCTTCAGGGTACTCTGCTTTATTGATAGCC-3'

ClinVar aggregate classification (germline): Likely pathogenic (1 of 4 stars; one submission).

Conditions:
Intellectual developmental disorder, X-linked 63. Also called: MENTAL RETARDATION, X-LINKED 68; Intellectual disability, X-linked 63. Identifiers: Orphanet 777, MedGen C1845672, MONDO:0010313, OMIM 300387.

Submission:

Center for Precision Genome Editing and Genetic Technologies for Biomedicine, Pirogov Russian National Research Medical University
Classification: Likely pathogenic for Intellectual developmental disorder, X-linked 63. Last evaluated: 2023-12-12. Review status: criteria provided, single submitter. Criteria: ACMG Guidelines, 2015. Collection method: clinical testing. Allele origin: unknown. Affected: yes. Observed: 1 hemizygote.
Comment: ACSL4(NM_022977.3):c.752_753insC is a frameshift variant that leads to the formation of a premature stop codon, which will result in a reduction in the amount of protein product - PVS1. This variant has not been detected in control samples nor in patients with Intellectual developmental disorder, X-linked 63, OMIM: 300387, hence the PM2 criterion applies. Based on the applied ACMG/AMP criteria (PVS1, PM2), this variant is classified as likely pathogenic for Intellectual developmental disorder, X-linked 63, OMIM: 300387.